The following is an entry in ClinVar:

ClinVar aggregate classification (germline): Uncertain significance (1 of 4 stars; one submission).

Allele frequency attached by ClinVar (database versions not stated): TOPMed below 0.00001; gnomAD 0.00001; gnomAD exomes 0.00001; ExAC 0.00002.
gnomAD v4.1: 7 of 1,613,936 alleles (0.00043%); highest among the groups gnomAD compares: Admixed American, 0.012%; no homozygotes.

Submission:

Labcorp Genetics (formerly Invitae), Labcorp
Classification: Uncertain significance. Last evaluated: 2024-07-17. Review status: criteria provided, single submitter. Criteria: Invitae Variant Classification Sherloc (09022015). Collection method: clinical testing. Allele origin: germline.
Comment: This sequence change replaces proline, which is neutral and non-polar, with histidine, which is basic and polar, at codon 451 of the PAX3 protein (p.Pro451His). This variant is present in population databases (rs756696533, gnomAD 0.02%). This variant has not been reported in the literature in individuals affected with PAX3-related conditions. ClinVar contains an entry for this variant (Variation ID: 1975071). An algorithm developed to predict the effect of missense changes on protein structure and function (PolyPhen-2) suggests that this variant is likely to be disruptive. In summary, the available evidence is currently insufficient to determine the role of this variant in disease. Therefore, it has been classified as a Variant of Uncertain Significance.

NM_181458.4(PAX3):c.1352C>A (p.Pro451His)

Gene: PAX3 (paired box 3; minus strand). Cytogenetic location: 2q36.1.
Variant type: single nucleotide variant.
Coding change: c.1352C>A on transcript NM_181458.4 (MANE Select); coding-DNA position 1352, C replaced by A.
Protein change: p.Pro451His; replaces proline 451 with histidine.
Molecular consequence: missense variant. On other transcripts: intron variant (2).
Genome position (GRCh38, 1-based): chr2:222,202,012, G>T on the plus strand (C>A on the coding strand, the complement: PAX3 is on the minus strand). VCF-style: chr2-222202012-G-T. GRCh37 (hg19) VCF-style: chr2-223066731-G-T.
Other names: c.1349C>A, p.Pro450His (NM_001127366.3); c.1352C>A, p.Pro451His (NM_181457.4, NM_181459.4); c.1174-570C>A (NM_181460.4, NM_181461.4); short protein forms P450H, P451H.
Identifiers: ClinVar variation 1975071 (VCV001975071.5), dbSNP rs756696533, ClinGen allele CA2135439.
Genomic context (GRCh38, chr2:222,202,012, plus strand): 5'-TACTGCCCATATTGGTAGCCTGTGACAGGGTCCATACTGTAGCCTGTGGTGCTATAGGTG[G>T]GTGGACAGTAGGACTGAGATGTTGGCAGACTGTCCAAGCTCTTCATATGGTCTAGTCTCT-3'
Protein context (NP_852123.1, residues 441-461): SLPTSQSYCP[Pro451His]TYSTTGYSMD